The following is an entry in ClinVar:

NM_004714.3(DYRK1B):c.1182G>A (p.Pro394=)

Gene: DYRK1B (dual specificity tyrosine phosphorylation regulated kinase 1B; minus strand). Cytogenetic location: 19q13.2.
Variant type: single nucleotide variant.
Coding change: c.1182G>A on transcript NM_004714.3 (MANE Select); coding-DNA position 1182, G replaced by A.
Protein change: p.Pro394=; no amino-acid change (proline 394 retained).
Molecular consequence: synonymous variant. On other transcripts: intron variant (2).
Genome position (GRCh38, 1-based): chr19:39,826,901, C>T on the plus strand (G>A on the coding strand, the complement: DYRK1B is on the minus strand). VCF-style: chr19-39826901-C-T. GRCh37 (hg19) VCF-style: chr19-40317541-C-T.
Other names: c.1096-34G>A (NM_006483.3); c.1132-34G>A (NM_006484.3).
Identifiers: ClinVar variation 3035623 (VCV003035623.2), dbSNP rs989813783, ClinGen allele CA308297621.

ClinVar aggregate classification (germline): Likely benign (0 of 4 stars; one submission).

Conditions:
DYRK1B-related disorder. Also called: DYRK1B-related condition.

Allele frequency attached by ClinVar (database versions not stated): TOPMed 0.00006.
gnomAD v4.1: 131 of 1,417,202 alleles (0.0092%); highest among the groups gnomAD compares: Non-Finnish European, 0.011%; no homozygotes.

Submission:

PreventionGenetics, part of Exact Sciences
Classification: Likely benign for DYRK1B-related condition. Last evaluated: 2022-01-24. Review status: no assertion criteria provided. Collection method: clinical testing. Allele origin: germline.
Comment: This variant is classified as likely benign based on ACMG/AMP sequence variant interpretation guidelines (Richards et al. 2015 PMID: 25741868, with internal and published modifications).